The following is an entry in ClinVar:

ClinVar aggregate classification (germline): Uncertain significance (1 of 4 stars; one submission).

Allele frequency attached by ClinVar (database versions not stated): gnomAD exomes below 0.00001.
gnomAD v4.1: 1 of 1,605,118 alleles (0.000062%); highest among the groups gnomAD compares: South Asian, 0.0011%; no homozygotes.

Submission:

Labcorp Genetics (formerly Invitae), Labcorp
Classification: Uncertain significance. Last evaluated: 2022-07-14. Review status: criteria provided, single submitter. Criteria: Invitae Variant Classification Sherloc (09022015). Collection method: clinical testing. Allele origin: germline.
Comment: This sequence change replaces alanine, which is neutral and non-polar, with threonine, which is neutral and polar, at codon 541 of the CDH2 protein (p.Ala541Thr). This variant is present in population databases (no rsID available, gnomAD 0.003%). This variant has not been reported in the literature in individuals affected with CDH2-related conditions. Algorithms developed to predict the effect of missense changes on protein structure and function are either unavailable or do not agree on the potential impact of this missense change (SIFT: "Deleterious"; PolyPhen-2: "Possibly Damaging"; Align-GVGD: "Class C0"). In summary, the available evidence is currently insufficient to determine the role of this variant in disease. Therefore, it has been classified as a Variant of Uncertain Significance.

NM_001792.5(CDH2):c.1621G>A (p.Ala541Thr)

Gene: CDH2 (cadherin 2; minus strand). Cytogenetic location: 18q12.1.
Variant type: single nucleotide variant.
Coding change: c.1621G>A on transcript NM_001792.5 (MANE Select); coding-DNA position 1621, G replaced by A.
Protein change: p.Ala541Thr; replaces alanine 541 with threonine.
Molecular consequence: missense variant.
Genome position (GRCh38, 1-based): chr18:27,988,644, C>T on the plus strand (G>A on the coding strand, the complement: CDH2 is on the minus strand). VCF-style: chr18-27988644-C-T. GRCh37 (hg19) VCF-style: chr18-25568608-C-T.
Other names: c.1528G>A, p.Ala510Thr (NM_001308176.2); short protein forms A510T, A541T.
Identifiers: ClinVar variation 2414751 (VCV002414751.6), dbSNP rs1409652618, ClinGen allele CA402108179.
Genomic context (GRCh38, chr18:27,988,644, plus strand): 5'-GGTCCAAAACAGCAATTGTAGTTATTTGTCCATTCACAGGATCTATTTTTAGCCAATTGG[C>T]AGGATCAGATAATTTAGTGTATCTACAAAATGAAAGTGAAGTTTAATTTCTTTTTATGAA-3'
Protein context (NP_001783.2, residues 531-551): NIRYTKLSDP[Ala541Thr]NWLKIDPVNG